The following is an entry in ClinVar:

NM_004525.3(LRP2):c.11437A>G (p.Ser3813Gly)

Gene: LRP2 (LDL receptor related protein 2; minus strand). Cytogenetic location: 2q31.1.
Variant type: single nucleotide variant.
Coding change: c.11437A>G on transcript NM_004525.3 (MANE Select); coding-DNA position 11437, A replaced by G.
Protein change: p.Ser3813Gly; replaces serine 3813 with glycine.
Molecular consequence: missense variant.
Genome position (GRCh38, 1-based): chr2:169,169,762, T>C on the plus strand (A>G on the coding strand, the complement: LRP2 is on the minus strand). VCF-style: chr2-169169762-T-C. GRCh37 (hg19) VCF-style: chr2-170026272-T-C.
Other names: short protein forms S3813G.
Identifiers: ClinVar variation 1433218 (VCV001433218.3), dbSNP rs775379871, ClinGen allele CA1953075.

ClinVar aggregate classification (germline): Uncertain significance (1 of 4 stars; one submission).

Allele frequency attached by ClinVar (database versions not stated): TOPMed below 0.00001; gnomAD 0.00001; ExAC 0.00002; gnomAD exomes 0.00002 and 0.00004.
gnomAD v4.1: 12 of 1,614,060 alleles (0.00074%); highest among the groups gnomAD compares: Admixed American, 0.018%; no homozygotes.

Submission:

Labcorp Genetics (formerly Invitae), Labcorp
Classification: Uncertain significance. Last evaluated: 2022-03-04. Review status: criteria provided, single submitter. Criteria: Invitae Variant Classification Sherloc (09022015). Collection method: clinical testing. Allele origin: germline.
Comment: This sequence change replaces serine, which is neutral and polar, with glycine, which is neutral and non-polar, at codon 3813 of the LRP2 protein (p.Ser3813Gly). This variant is present in population databases (rs775379871, gnomAD 0.03%). This variant has not been reported in the literature in individuals affected with LRP2-related conditions. Advanced modeling of protein sequence and biophysical properties (such as structural, functional, and spatial information, amino acid conservation, physicochemical variation, residue mobility, and thermodynamic stability) performed at Invitae indicates that this missense variant is not expected to disrupt LRP2 protein function. In summary, the available evidence is currently insufficient to determine the role of this variant in disease. Therefore, it has been classified as a Variant of Uncertain Significance.